The following is an entry in ClinVar:

ClinVar aggregate classification (germline): Conflicting classifications of pathogenicity. Review status: criteria provided, conflicting classifications (1 of 4 stars). 5 submissions from 5 submitters: Likely pathogenic (1); Uncertain significance (3). 1 of the submissions does not count toward it. Last evaluated 2025-09-12.

Conditions:
ACADVL-related disorder. Also called: ACADVL-related condition.
Very long chain acyl-CoA dehydrogenase deficiency (ACADVLD). Also called: Very Long-Chain Acyl-Coenzyme A Dehydrogenase Deficiency; VLCAD Deficiency. Identifiers: Orphanet 26793, MedGen C3887523, MONDO:0008723, OMIM 201475.

Allele frequency attached by ClinVar (database versions not stated): gnomAD 0.00001; gnomAD exomes 0.00001; TOPMed 0.00003.

Submissions (5):

PreventionGenetics, part of Exact Sciences
Classification: Likely pathogenic for ACADVL-related condition. Last evaluated: 2025-09-12. Review status: criteria provided, single submitter. Criteria: ACMG Guidelines, 2015. Collection method: clinical testing. Allele origin: germline.
Comment: The ACADVL c.1052C>A variant is predicted to result in the amino acid substitution p.Thr351Asn. This variant has been reported in an individual with an inborn error of metabolism phenotype, but specific phenotypic information was not provided (Table S5, Adhikari et al. 2020. PubMed ID: 32778825). This patient also carried a second ACADVL variant of uncertain significance, however this patient didn't present any clinical manifestations after birth (Table 3, Case 26, Rovelli et al. 2019. PubMed ID: 31031081). This variant is reported in 0.012% of alleles in individuals of African descent in gnomAD. This variant is interpreted as likely pathogenic.

Labcorp Genetics (formerly Invitae), Labcorp
Classification: Uncertain significance for Very long chain acyl-CoA dehydrogenase deficiency. Last evaluated: 2022-10-29. Review status: criteria provided, single submitter. Criteria: Invitae Variant Classification Sherloc (09022015). Collection method: clinical testing. Allele origin: germline.
Comment: This sequence change replaces threonine, which is neutral and polar, with asparagine, which is neutral and polar, at codon 351 of the ACADVL protein (p.Thr351Asn). This variant is present in population databases (rs796051911, gnomAD 0.007%). This variant has not been reported in the literature in individuals affected with ACADVL-related conditions. ClinVar contains an entry for this variant (Variation ID: 203578). Advanced modeling of protein sequence and biophysical properties (such as structural, functional, and spatial information, amino acid conservation, physicochemical variation, residue mobility, and thermodynamic stability) performed at Invitae indicates that this missense variant is expected to disrupt ACADVL protein function. Algorithms developed to predict the effect of sequence changes on RNA splicing suggest that this variant may create or strengthen a splice site. In summary, the available evidence is currently insufficient to determine the role of this variant in disease. Therefore, it has been classified as a Variant of Uncertain Significance.

Wong Mito Lab, Molecular and Human Genetics, Baylor College of Medicine
Classification: Uncertain significance for Very long chain acyl-CoA dehydrogenase deficiency. Last evaluated: 2019-11-01. Review status: criteria provided, single submitter. Criteria: ACMG Guidelines, 2015. Collection method: clinical testing. Allele origin: germline.
Comment: The NM_000018.3:c.1052C>A (NP_000009.1:p.Thr351Asn) [GRCH38: NC_000017.11:g.7222840C>A] variant in ACADVL gene is interpretated to be Uncertain Significance based on ACMG guidelines (PMID: 25741868). This variant has been reported. This variant meets the following evidence codes reported in the ACMG guidelines: PP3

ARUP Laboratories, Molecular Genetics and Genomics, ARUP Laboratories
Classification: Uncertain significance. Last evaluated: 2017-01-31. Review status: criteria provided, single submitter. Criteria: ARUP Molecular Germline Variant Investigation Process. Collection method: clinical testing. Allele origin: germline.

Natera, Inc.
Classification: Uncertain significance for Very long chain acyl-CoA dehydrogenase deficiency. Last evaluated: 2020-09-16. Review status: no assertion criteria provided. Collection method: clinical testing. Allele origin: germline. Not counted in ClinVar's aggregate classification.

NM_000018.4(ACADVL):c.1052C>A (p.Thr351Asn)

Gene: ACADVL (acyl-CoA dehydrogenase very long chain; plus strand). Cytogenetic location: 17p13.1.
Variant type: single nucleotide variant.
Coding change: c.1052C>A on transcript NM_000018.4 (MANE Select); coding-DNA position 1052, C replaced by A.
Protein change: p.Thr351Asn; replaces threonine 351 with asparagine.
Molecular consequence: missense variant.
Genome position (GRCh38, 1-based): chr17:7,222,840, C>A. VCF-style: chr17-7222840-C-A. GRCh37 (hg19) VCF-style: chr17-7126159-C-A.
Other names: c.986C>A, p.Thr329Asn (NM_001033859.3); c.1121C>A, p.Thr374Asn (NM_001270447.2); c.824C>A, p.Thr275Asn (NM_001270448.2); short protein forms T351N, T275N, T329N, T374N.
Identifiers: ClinVar variation 203578 (VCV000203578.16), dbSNP rs796051911, ClinGen allele CA312262.